The following is an entry in ClinVar:

ClinVar aggregate classification (germline): Uncertain significance. Review status: criteria provided, multiple submitters, no conflicts (2 of 4 stars). 2 submissions from 2 submitters: Uncertain significance (2). Last evaluated 2025-04-27.

Allele frequency attached by ClinVar (database versions not stated): TOPMed below 0.00001.

Submissions (2):

Labcorp Genetics (formerly Invitae), Labcorp
Classification: Uncertain significance. Last evaluated: 2025-04-27. Review status: criteria provided, single submitter. Criteria: Invitae Variant Classification Sherloc (09022015). Collection method: clinical testing. Allele origin: germline.
Comment: This sequence change replaces alanine, which is neutral and non-polar, with threonine, which is neutral and polar, at codon 589 of the ADGRE2 protein (p.Ala589Thr). This variant is not present in population databases (gnomAD no frequency). This variant has not been reported in the literature in individuals affected with ADGRE2-related conditions. ClinVar contains an entry for this variant (Variation ID: 2143433). An algorithm developed to predict the effect of missense changes on protein structure and function (PolyPhen-2) suggests that this variant is likely to be disruptive. In summary, the available evidence is currently insufficient to determine the role of this variant in disease. Therefore, it has been classified as a Variant of Uncertain Significance.

Ambry Genetics
Classification: Uncertain significance. Last evaluated: 2022-06-03. Review status: criteria provided, single submitter. Criteria: Ambry Variant Classification Scheme 2023. Collection method: clinical testing. Allele origin: germline.

NM_013447.4(ADGRE2):c.1765G>A (p.Ala589Thr)

Gene: ADGRE2 (adhesion G protein-coupled receptor E2; minus strand). Cytogenetic location: 19p13.12.
Variant type: single nucleotide variant.
Coding change: c.1765G>A on transcript NM_013447.4 (MANE Select); coding-DNA position 1765, G replaced by A.
Protein change: p.Ala589Thr; replaces alanine 589 with threonine.
Molecular consequence: missense variant.
Genome position (GRCh38, 1-based): chr19:14,752,352, C>T on the plus strand (G>A on the coding strand, the complement: ADGRE2 is on the minus strand). VCF-style: chr19-14752352-C-T. GRCh37 (hg19) VCF-style: chr19-14863164-C-T.
Other names: c.1765G>A (NM_013447.2); c.1591G>A, p.Ala531Thr (NM_001271052.1); c.1618G>A, p.Ala540Thr (NM_152916.2); c.1486G>A, p.Ala496Thr (NM_152917.2); short protein forms A496T, A531T, A589T, A540T.
Identifiers: ClinVar variation 2143433 (VCV002143433.5), dbSNP rs1599821031, ClinGen allele CA404453243.